The following is an entry in ClinVar:

NM_000051.4(ATM):c.6403del (p.Ser2134_Leu2135insTer)

Genes: ATM (ATM serine/threonine kinase; plus strand), C11orf65 (chromosome 11 open reading frame 65; minus strand). Cytogenetic location: 11q22.3.
Variant type: Deletion.
Coding change: c.6403del on transcript NM_000051.4 (MANE Select); coding-DNA position 6403, one base deleted (C; older notation c.6403delC).
Protein change: p.Ser2134_Leu2135insTer.
Molecular consequence: nonsense. On other transcripts: intron variant (2).
Genome position (GRCh38, 1-based): chr11:108,320,009, C deleted. VCF-style (leftmost placement, unchanged base first): chr11-108320008-TC-T. GRCh37 (hg19) VCF-style: chr11-108190735-TC-T.
Other names: c.6403del, p.Ser2134_Leu2135insTer (NM_001351834.2); c.641-10938del (NM_001330368.2); c.*39-10938del (NM_001351110.2).
Identifiers: ClinVar variation 2821434 (VCV002821434.4), dbSNP rs2547146672, ClinGen allele CA2739266024.

ClinVar aggregate classification (germline): Pathogenic. Review status: criteria provided, multiple submitters, no conflicts (2 of 4 stars). 2 submissions from 2 submitters: Pathogenic (2). Last evaluated 2024-05-31.

Conditions:
Ataxia-telangiectasia syndrome (AT). Also called: LOUIS-BAR SYNDROME; Cerebello-oculocutaneous telangiectasia; Immunodeficiency with ataxia telangiectasia; Ataxia telangiectasia (A-T); Ataxia-telangiectasia, complementation group D; AT, COMPLEMENTATION GROUP C. Identifiers: Orphanet 100, MedGen C0004135, MONDO:0008840, OMIM 208900.
Hereditary cancer-predisposing syndrome. Also called: Tumor predisposition; Neoplastic Syndromes, Hereditary; Hereditary Cancer Syndrome; Hereditary neoplastic syndrome. Identifiers: Orphanet 140162, MedGen C0027672, MeSH D009386, MONDO:0015356.

Submissions (2):

Ambry Genetics
Classification: Pathogenic for Hereditary cancer-predisposing syndrome. Last evaluated: 2024-05-31. Review status: criteria provided, single submitter. Criteria: Ambry Variant Classification Scheme 2023. Collection method: clinical testing. Allele origin: germline.
Comment: The c.6403delC pathogenic mutation, located in coding exon 43 of the ATM gene, results from a deletion of one nucleotide at nucleotide position 6403, causing a translational frameshift with a predicted alternate stop codon (p.L2135*). This alteration is expected to result in loss of function by premature protein truncation or nonsense-mediated mRNA decay. This variant is considered to be rare based on population cohorts in the Genome Aggregation Database (gnomAD). As such, this alteration is interpreted as a disease-causing mutation.

Labcorp Genetics (formerly Invitae), Labcorp
Classification: Pathogenic for Ataxia-telangiectasia syndrome. Last evaluated: 2023-10-23. Review status: criteria provided, single submitter. Criteria: Invitae Variant Classification Sherloc (09022015). Collection method: clinical testing. Allele origin: germline.
Comment: This sequence change creates a premature translational stop signal (p.Leu2135*) in the ATM gene. It is expected to result in an absent or disrupted protein product. Loss-of-function variants in ATM are known to be pathogenic (PMID: 23807571, 25614872). This variant is not present in population databases (gnomAD no frequency). This variant has not been reported in the literature in individuals affected with ATM-related conditions. Algorithms developed to predict the effect of sequence changes on RNA splicing suggest that this variant may disrupt the consensus splice site. For these reasons, this variant has been classified as Pathogenic.

Literature cited by the submitters: PubMed 23807571 (cited by Labcorp Genetics (formerly Invitae), Labcorp); PubMed 25614872 (cited by Labcorp Genetics (formerly Invitae), Labcorp).